The following is an entry in ClinVar:

NM_052947.4(ALPK2):c.1784C>G (p.Ser595Cys)

Gene: ALPK2 (alpha kinase 2; minus strand). Cytogenetic location: 18q21.31.
Variant type: single nucleotide variant.
Coding change: c.1784C>G on transcript NM_052947.4 (MANE Select); coding-DNA position 1784, C replaced by G.
Protein change: p.Ser595Cys; replaces serine 595 with cysteine.
Molecular consequence: missense variant.
Genome position (GRCh38, 1-based): chr18:58,578,992, G>C on the plus strand (C>G on the coding strand, the complement: ALPK2 is on the minus strand). VCF-style: chr18-58578992-G-C. GRCh37 (hg19) VCF-style: chr18-56246224-G-C.
Other names: short protein forms S595C.
Identifiers: ClinVar variation 1780058 (VCV001780058.2), dbSNP rs2518898579, ClinGen allele CA402560229.
Genomic context (GRCh38, chr18:58,578,992, plus strand): 5'-AGGGTTTTTGCTTCTTGCTCTGCCTGGGTTGAAATAGCACATTCTCTTGCATCAGCATGG[G>C]AACTCCGACCAGTCGCTGCTGCTGTGGTGTGAGAAGTCTCTCTTTTATCACTCTGGGTTA-3'
Protein context (NP_443179.3, residues 585-605): HTTAAATGRS[Ser595Cys]HADARECAIS

ClinVar aggregate classification (germline): Uncertain significance (1 of 4 stars; one submission).

Submission:

Ambry Genetics
Classification: Uncertain significance. Last evaluated: 2022-08-29. Review status: criteria provided, single submitter. Criteria: Ambry Variant Classification Scheme 2023. Collection method: clinical testing. Allele origin: germline.
Comment: The p.S595C variant (also known as c.1784C>G), located in coding exon 3 of the ALPK2 gene, results from a C to G substitution at nucleotide position 1784. The serine at codon 595 is replaced by cysteine, an amino acid with dissimilar properties. This amino acid position is conserved. In addition, this alteration is predicted to be tolerated by in silico analysis. Since supporting evidence is limited at this time, the clinical significance of this alteration remains unclear.